The following is an entry in ClinVar:

ClinVar aggregate classification (germline): Conflicting classifications of pathogenicity. Review status: criteria provided, conflicting classifications (1 of 4 stars). 3 submissions from 3 submitters: Uncertain significance (1); Likely benign (1). 1 of the submissions does not count toward it. Last evaluated 2022-12-13.

Conditions:
Neuronal ceroid lipofuscinosis 5 (CLN5). Also called: Neuronal ceroid lipofuscinosis Finnish variant; NEURONAL CEROID LIPOFUSCINOSIS, LATE INFANTILE, FINNISH VARIANT; CLN5-Related Neuronal Ceroid-Lipofuscinosis; CEROID LIPOFUSCINOSIS, NEURONAL, 5, VARIABLE AGE AT ONSET. Identifiers: Orphanet 168491, Orphanet 228360, MedGen C1850442, MONDO:0009745, OMIM 256731.

Allele frequency attached by ClinVar (database versions not stated): gnomAD exomes below 0.00001; TOPMed below 0.00001; gnomAD 0.00001; 1000 Genomes Project 30x 0.00016.
gnomAD v4.1: 3 of 1,610,234 alleles (0.00019%); highest among the groups gnomAD compares: Non-Finnish European, 0.00025%; no homozygotes.

Submissions (3):

Blueprint Genetics
Classification: Likely benign. Last evaluated: 2022-12-13. Review status: criteria provided, single submitter. Criteria: ACMG Guidelines, 2015. Collection method: clinical testing. Allele origin: germline.

GeneDx
Classification: Uncertain significance. Last evaluated: 2018-05-16. Review status: criteria provided, single submitter. Criteria: GeneDx Variant Classification (06012015). Collection method: clinical testing. Allele origin: germline. Affected: yes.
Comment: A variant of uncertain significance has been identified in the CLN5 gene. The S356N variant has not been published as a pathogenic variant, nor has it been reported as a benign variant to our knowledge. The S356N variant is not observed in large population cohorts (Lek et al., 2016). The S356N variant is a conservative amino acid substitution, which is not likely to impact secondary protein structure as these residues share similar properties. In-silico analyses, including protein predictors and evolutionary conservation, support that this variant does not alter protein structure/function. Therefore, based on the currently available information, it is unclear whether this variant is a pathogenic variant or a rare benign variant.

Natera, Inc.
Classification: Uncertain significance for Neuronal ceroid lipofuscinosis 5. Last evaluated: 2020-09-29. Review status: no assertion criteria provided. Collection method: clinical testing. Allele origin: germline. Not counted in ClinVar's aggregate classification.

NM_006493.4(CLN5):c.920G>A (p.Ser307Asn)

Gene: CLN5 (CLN5 lysosomal BMP synthase; plus strand). Cytogenetic location: 13q22.3.
Variant type: single nucleotide variant.
Coding change: c.920G>A on transcript NM_006493.4 (MANE Select); coding-DNA position 920, G replaced by A.
Protein change: p.Ser307Asn; replaces serine 307 with asparagine.
Molecular consequence: missense variant. On other transcripts: 3 prime UTR variant (1).
Genome position (GRCh38, 1-based): chr13:77,000,812, G>A. VCF-style: chr13-77000812-G-A. GRCh37 (hg19) VCF-style: chr13-77574947-G-A.
Other names: c.1067G>A (LRG_692t1); c.*369G>A (NM_001366624.2); short protein forms S307N.
Identifiers: ClinVar variation 546442 (VCV000546442.4), dbSNP rs1555274374, ClinGen allele CA388314195.